The following is an entry in ClinVar:

NM_012179.4(FBXO7):c.366_367insC (p.Ser123fs)

Gene: FBXO7 (F-box protein 7; plus strand). Cytogenetic location: 22q12.3.
Variant type: Insertion.
Coding change: c.366_367insC on transcript NM_012179.4 (MANE Select); coding-DNA positions 366 to 367, C inserted.
Protein change: p.Ser123fs; shifts the reading frame from serine 123.
Molecular consequence: frameshift variant.
Genome position: GRCh38 VCF-style: chr22-32479224-T-TC. GRCh37 (hg19) VCF-style: chr22-32875211-T-TC.
Other names: c.129_130insC, p.Ser44fs (NM_001033024.2); c.24_25insC, p.Ser9fs (NM_001257990.2); short protein forms S9fs, S123fs, S44fs.
Identifiers: ClinVar variation 3673551 (VCV003673551.2).

ClinVar aggregate classification (germline): Pathogenic (1 of 4 stars; one submission).

Conditions:
Parkinsonian-pyramidal syndrome. Also called: PARKINSON DISEASE 15, AUTOSOMAL RECESSIVE EARLY-ONSET; PARKINSON DISEASE 15, AUTOSOMAL RECESSIVE; PALLIDOPYRAMIDAL SYNDROME. Identifiers: Orphanet 171695, MedGen C1850100, MONDO:0009830, OMIM 260300.

Submission:

Labcorp Genetics (formerly Invitae), Labcorp
Classification: Pathogenic for Parkinsonian-pyramidal syndrome. Last evaluated: 2024-02-02. Review status: criteria provided, single submitter. Criteria: Invitae Variant Classification Sherloc (09022015). Collection method: clinical testing. Allele origin: germline.
Comment: This sequence change creates a premature translational stop signal (p.Ser123Leufs*14) in the FBXO7 gene. It is expected to result in an absent or disrupted protein product. Loss-of-function variants in FBXO7 are known to be pathogenic (PMID: 21347293). This variant is not present in population databases (gnomAD no frequency). This variant has not been reported in the literature in individuals affected with FBXO7-related conditions. For these reasons, this variant has been classified as Pathogenic.

Literature cited by the submitters: PubMed 21347293.